The following is an entry in ClinVar:

NM_017802.4(DNAAF5):c.921C>A (p.Ser307Arg)

Gene: DNAAF5 (dynein axonemal assembly factor 5; plus strand). Cytogenetic location: 7p22.3.
Variant type: single nucleotide variant.
Coding change: c.921C>A on transcript NM_017802.4 (MANE Select); coding-DNA position 921, C replaced by A.
Protein change: p.Ser307Arg; replaces serine 307 with arginine.
Molecular consequence: missense variant. On other transcripts: non-coding transcript variant (1).
Genome position (GRCh38, 1-based): chr7:741,362, C>A. VCF-style: chr7-741362-C-A. GRCh37 (hg19) VCF-style: chr7-780999-C-A.
Other names: p.Ser307Arg; short protein forms S307R.
Identifiers: ClinVar variation 241211 (VCV000241211.21), dbSNP rs113374052, ClinGen allele CA4110537.

ClinVar aggregate classification (germline): Benign/Likely benign. Review status: criteria provided, multiple submitters, no conflicts (2 of 4 stars). 8 submissions from 8 submitters: Benign (5); Likely benign (3). Last evaluated 2026-02-01.

Conditions:
Primary ciliary dyskinesia 18. Also called: CILIARY DYSKINESIA, PRIMARY, 18, WITH OR WITHOUT SITUS INVERSUS. Identifiers: Orphanet 244, MedGen C3543825, MONDO:0013940, OMIM 614874.
Primary ciliary dyskinesia. Also called: Ciliary dyskinesia. Identifiers: Orphanet 244, MedGen C0008780, MONDO:0016575, HP:0012265.

Allele frequency attached by ClinVar (database versions not stated): ESP Exome Variant Server 0.01100; gnomAD exomes 0.01182 and 0.01499; gnomAD 0.01326 and 0.01381; ExAC 0.01669; 1000 Genomes Project 0.00399; 1000 Genomes Project 30x 0.00437; TOPMed 0.01061.
gnomAD v4.1: 23,322 of 1,588,566 alleles (1.5%); highest among the groups gnomAD compares: Non-Finnish European, 1.7%; 229 homozygotes.

Submissions (8):

Labcorp Genetics (formerly Invitae), Labcorp
Classification: Benign for Primary ciliary dyskinesia. Last evaluated: 2026-02-01. Review status: criteria provided, single submitter. Criteria: Invitae Variant Classification Sherloc (09022015). Collection method: clinical testing. Allele origin: germline.

ARUP Laboratories, Molecular Genetics and Genomics, ARUP Laboratories
Classification: Benign for Primary ciliary dyskinesia 18. Last evaluated: 2025-01-22. Review status: criteria provided, single submitter. Criteria: ARUP Molecular Germline Variant Investigation Process 2024. Collection method: clinical testing. Allele origin: germline.

Blueprint Genetics
Classification: Likely benign. Last evaluated: 2024-11-26. Review status: criteria provided, single submitter. Criteria: ACMG Guidelines, 2015. Collection method: clinical testing. Allele origin: germline.

Mayo Clinic Laboratories, Mayo Clinic
Classification: Benign. Last evaluated: 2023-09-28. Review status: criteria provided, single submitter. Criteria: ACMG Guidelines, 2015. Collection method: clinical testing. Allele origin: germline. Observed: 3 variant alleles.
Comment: BS1, BS2, BP4

GeneDx
Classification: Likely benign. Last evaluated: 2020-06-16. Review status: criteria provided, single submitter. Criteria: GeneDx Variant Classification Process June 2021. Collection method: clinical testing. Allele origin: germline. Affected: yes.

Ambry Genetics
Classification: Benign for Primary ciliary dyskinesia. Last evaluated: 2016-07-19. Review status: criteria provided, single submitter. Criteria: Ambry Variant Classification Scheme 2023. Collection method: clinical testing. Allele origin: germline.

Breakthrough Genomics
Classification: Likely benign. Review status: criteria provided, single submitter. Criteria: ACMG Guidelines, 2015. Collection method: not provided. Allele origin: germline. Inheritance: Autosomal recessive inheritance. Affected: yes.

PreventionGenetics, part of Exact Sciences
Classification: Benign. Review status: criteria provided, single submitter. Criteria: ACMG Guidelines, 2015. Collection method: clinical testing. Allele origin: germline.